The following is an entry in ClinVar:

ClinVar aggregate classification (germline): Uncertain significance (1 of 4 stars; one submission).

Conditions:
Inborn genetic diseases. Identifiers: MedGen C0950123, MeSH D030342.

Allele frequency attached by ClinVar (database versions not stated): ExAC 0.00001; gnomAD exomes 0.00001; ESP Exome Variant Server 0.00008.
gnomAD v4.1: 9 of 1,613,114 alleles (0.00056%); highest among the groups gnomAD compares: Non-Finnish European, 0.00076%; no homozygotes.

Submission:

Ambry Genetics
Classification: Uncertain significance for Inborn genetic diseases. Last evaluated: 2022-02-05. Review status: criteria provided, single submitter. Criteria: Ambry Variant Classification Scheme 2023. Collection method: clinical testing. Allele origin: germline.
Comment: The p.H668R variant (also known as c.2003A>G), located in coding exon 17 of the LRRK2 gene, results from an A to G substitution at nucleotide position 2003. The histidine at codon 668 is replaced by arginine, an amino acid with highly similar properties. This amino acid position is conserved. In addition, this alteration is predicted to be tolerated by in silico analysis. Since supporting evidence is limited at this time, the clinical significance of this alteration remains unclear.

NM_198578.4(LRRK2):c.2003A>G (p.His668Arg)

Gene: LRRK2 (leucine rich repeat kinase 2; plus strand). Cytogenetic location: 12q12.
Variant type: single nucleotide variant.
Coding change: c.2003A>G on transcript NM_198578.4 (MANE Select); coding-DNA position 2003, A replaced by G.
Protein change: p.His668Arg; replaces histidine 668 with arginine.
Molecular consequence: missense variant.
Genome position (GRCh38, 1-based): chr12:40,277,949, A>G. VCF-style: chr12-40277949-A-G. GRCh37 (hg19) VCF-style: chr12-40671751-A-G.
Other names: short protein forms H668R.
Identifiers: ClinVar variation 1784276 (VCV001784276.2), dbSNP rs376731129, ClinGen allele CA6513526.